The following is an entry in ClinVar:

NM_025137.4(SPG11):c.3237A>T (p.Gly1079=)

Gene: SPG11 (SPG11 vesicle trafficking associated, spatacsin; minus strand). Cytogenetic location: 15q21.1.
Variant type: single nucleotide variant.
Coding change: c.3237A>T on transcript NM_025137.4 (MANE Select); coding-DNA position 3237, A replaced by T.
Protein change: p.Gly1079=; no amino-acid change (glycine 1079 retained).
Molecular consequence: synonymous variant.
Genome position (GRCh38, 1-based): chr15:44,610,894, T>A on the plus strand (A>T on the coding strand, the complement: SPG11 is on the minus strand). VCF-style: chr15-44610894-T-A. GRCh37 (hg19) VCF-style: chr15-44903092-T-A.
Other names: c.3237A>T, p.Gly1079= (NM_001160227.2, NM_001411132.1).
Identifiers: ClinVar variation 2645282 (VCV002645282.27), dbSNP rs2505482118, ClinGen allele CA490203321.

ClinVar aggregate classification (germline): Likely benign. Review status: criteria provided, multiple submitters, no conflicts (2 of 4 stars). 2 submissions from 2 submitters: Likely benign (2). Last evaluated 2026-06-01.

Conditions:
Hereditary spastic paraplegia 11. Also called: SPASTIC PARAPLEGIA, AUTOSOMAL RECESSIVE, COMPLICATED, WITH THIN CORPUS CALLOSUM; SPASTIC PARAPLEGIA, AUTOSOMAL RECESSIVE, WITH MENTAL IMPAIRMENT AND THIN CORPUS CALLOSUM; Spastic Paraplegia 11; Nakamura Osame syndrome; Autosomal recessive hereditary spastic paraplegia, mental impairment, and thin corpus callosum; Spastic paraplegia, mental retardation and thin corpus callosum. Identifiers: Orphanet 2822, MedGen C1858479, MONDO:0011445, OMIM 604360.

Submissions (2):

CeGaT Center for Human Genetics Tuebingen
Classification: Likely benign. Last evaluated: 2026-06-01. Review status: criteria provided, single submitter. Criteria: CeGaT Center For Human Genetics Tuebingen Variant Classification Criteria Version 2. Collection method: clinical testing. Allele origin: germline. Affected: yes. Observed: 2 variant alleles.
Comment: SPG11: PM2:Supporting, BP4, BP7

Labcorp Genetics (formerly Invitae), Labcorp
Classification: Likely benign for Hereditary spastic paraplegia 11. Last evaluated: 2023-01-17. Review status: criteria provided, single submitter. Criteria: Invitae Variant Classification Sherloc (09022015). Collection method: clinical testing. Allele origin: germline.